The following is an entry in ClinVar:

ClinVar aggregate classification (germline): Conflicting classifications of pathogenicity. Review status: criteria provided, conflicting classifications (1 of 4 stars). 12 submissions from 12 submitters: Uncertain significance (1); Benign (4); Likely benign (3). 4 of the submissions do not count toward it. Last evaluated 2026-08-01.

Conditions:
GLDC-related disorder. Also called: GLDC-related condition.
Glycine encephalopathy. Also called: Nonketotic hyperglycinemia; Non-ketotic hyperglycinemia. Identifiers: Orphanet 407, MedGen C0751748, MONDO:0011612, HP:0008288.

Allele frequency attached by ClinVar (database versions not stated): 1000 Genomes Project 30x 0.00297; 1000 Genomes Project 0.00319; TOPMed 0.00540; gnomAD 0.00664 and 0.00670; gnomAD exomes 0.00963 and 0.01549; ExAC 0.01235.
gnomAD v4.1: 11,545 of 1,259,152 alleles (0.92%); highest among the groups gnomAD compares: Middle Eastern, 1.1%; 78 homozygotes.

Submissions (14):

CeGaT Center for Human Genetics Tuebingen
Classification: Benign. Last evaluated: 2026-08-01. Review status: criteria provided, single submitter. Criteria: CeGaT Center For Human Genetics Tuebingen Variant Classification Criteria Version 2. Collection method: clinical testing. Allele origin: germline. Affected: yes. Observed: 23 variant alleles.
Comment: GLDC: PP3, BS1, BS2

Labcorp Genetics (formerly Invitae), Labcorp
Classification: Benign for Glycine encephalopathy. Last evaluated: 2026-02-03. Review status: criteria provided, single submitter. Criteria: Invitae Variant Classification Sherloc (09022015). Collection method: clinical testing. Allele origin: germline.

Athena Diagnostics
Classification: Benign. Last evaluated: 2025-02-10. Review status: criteria provided, single submitter. Criteria: Athena Diagnostics Criteria. Collection method: clinical testing. Allele origin: unknown.
Comment: The frequency of this variant in the general population is higher than would generally be expected for pathogenic variants in this gene.

Blueprint Genetics
Classification: Likely benign. Last evaluated: 2024-11-25. Review status: criteria provided, single submitter. Criteria: ACMG Guidelines, 2015. Collection method: clinical testing. Allele origin: germline.

Women's Health and Genetics/Laboratory Corporation of America, LabCorp
Classification: Likely benign. Last evaluated: 2021-10-30. Review status: criteria provided, single submitter. Criteria: LabCorp Variant Classification Summary - May 2015. Collection method: clinical testing. Allele origin: germline.

Elsea Laboratory, Baylor College of Medicine
Classification: Uncertain significance for Glycine encephalopathy 1. Last evaluated: 2020-04-01. Review status: criteria provided, single submitter. Criteria: ACMG Guidelines, 2015. Collection method: clinical testing. Allele origin: germline. Affected: no.

GeneDx
Classification: Benign. Last evaluated: 2018-07-04. Review status: criteria provided, single submitter. Criteria: GeneDx Variant Classification Process June 2021. Collection method: clinical testing. Allele origin: germline. Affected: yes.
Comment: This variant is associated with the following publications: (PMID: 22171071)

Illumina Laboratory Services, Illumina
Classification: Likely benign for Glycine encephalopathy 1. Last evaluated: 2018-01-12. Review status: criteria provided, single submitter. Criteria: ICSL Variant Classification Criteria 13 December 2019. Collection method: clinical testing. Allele origin: germline.
Comment: This variant was observed in the ICSL laboratory as part of a predisposition screen in an ostensibly healthy population. It had not been previously curated by ICSL or reported in the Human Gene Mutation Database (HGMD: prior to June 1st, 2018), and was therefore a candidate for classification through an automated scoring system. Utilizing variant allele frequency, disease prevalence and penetrance estimates, and inheritance mode, an automated score was calculated to assess if this variant is too frequent to cause the disease. Based on the score and internal cut-off values, a variant classified as likely benign is not then subjected to further curation. The score for this variant resulted in a classification of likely benign for this disease.

PreventionGenetics, part of Exact Sciences
Classification: Benign for GLDC-related condition. Last evaluated: 2024-07-09. Review status: no assertion criteria provided. Collection method: clinical testing. Allele origin: germline. Not counted in ClinVar's aggregate classification.
Comment: This variant is classified as benign based on ACMG/AMP sequence variant interpretation guidelines (Richards et al. 2015 PMID: 25741868, with internal and published modifications).

Natera, Inc.
Classification: Benign for Non-ketotic hyperglycinemia. Last evaluated: 2019-12-09. Review status: no assertion criteria provided. Collection method: clinical testing. Allele origin: germline. Not counted in ClinVar's aggregate classification.

Diagnostic Laboratory, Department of Genetics, University Medical Center Groningen
Classification: Benign. Review status: no assertion criteria provided. Collection method: clinical testing. Allele origin: germline. Affected: yes. Study: VKGL Data-share Consensus. Not counted in ClinVar's aggregate classification.

Dr. Peter K. Rogan Lab, Western University
No classification provided (evidence only). Condition: Cervical cancer. Review status: no classification provided. Collection method: in vitro. Allele origin: not applicable. Functional consequence: retained intron. Not counted in ClinVar's aggregate classification.

Dr. Peter K. Rogan Lab, Western University
No classification provided (evidence only). Condition: Ovarian serous cystadenocarcinoma. Review status: no classification provided. Collection method: in vitro. Allele origin: not applicable. Functional consequence: retained intron. Not counted in ClinVar's aggregate classification.

Laboratory of Diagnostic Genome Analysis, Leiden University Medical Center (LUMC)
Classification: Likely benign. Review status: no assertion criteria provided. Collection method: clinical testing. Allele origin: germline. Affected: yes. Study: VKGL Data-share Consensus. Not counted in ClinVar's aggregate classification.

Literature cited by the submitters: PubMed 22171071 (cited by Athena Diagnostics).

NM_000170.3(GLDC):c.52G>T (p.Gly18Cys)

Gene: GLDC (glycine decarboxylase; minus strand). Cytogenetic location: 9p24.1.
Variant type: single nucleotide variant.
Coding change: c.52G>T on transcript NM_000170.3 (MANE Select); coding-DNA position 52, G replaced by T.
Protein change: p.Gly18Cys; replaces glycine 18 with cysteine.
Molecular consequence: missense variant.
Genome position (GRCh38, 1-based): chr9:6,645,448, C>A on the plus strand (G>T on the coding strand, the complement: GLDC is on the minus strand). VCF-style: chr9-6645448-C-A. GRCh37 (hg19) VCF-style: chr9-6645448-C-A.
Other names: short protein forms G18C.
Identifiers: ClinVar variation 367208 (VCV000367208.59), dbSNP rs535143891, ClinGen allele CA4981296.
Genomic context (GRCh38, chr9:6,645,448, plus strand): 5'-TGCTGTCCCGGCTCCGCGGCGCCCAGCACGGCCCCGATCCCCCAGCCAGGCGGCGGCCGC[C>A]CCCGACCCCGCGGCCCAGGCGCAGCCCCCACGCCCTGGCACAGGACTGCATGGCCGCGGC-3'
Protein context (NP_000161.2, residues 8-28): WGLRLGRGVG[Gly18Cys]GRRLAGGSGP